The following is an entry in ClinVar:

ClinVar aggregate classification (germline): Uncertain significance (1 of 4 stars; one submission).

Submission:

GeneDx
Classification: Uncertain significance. Last evaluated: 2024-04-03. Review status: criteria provided, single submitter. Criteria: GeneDx Variant Classification Process June 2021. Collection method: clinical testing. Allele origin: germline. Affected: yes.
Comment: Has not been previously published as pathogenic or benign to our knowledge; Not observed at significant frequency in large population cohorts (gnomAD); In silico analysis indicates that this variant does not alter splicing

NM_024422.6(DSC2):c.87T>C (p.Ser29=)

Gene: DSC2 (desmocollin 2; minus strand). Cytogenetic location: 18q12.1.
Variant type: single nucleotide variant.
Coding change: c.87T>C on transcript NM_024422.6 (MANE Select); coding-DNA position 87, T replaced by C.
Protein change: p.Ser29=; no amino-acid change (serine 29 retained).
Molecular consequence: synonymous variant. On other transcripts: 5 prime UTR variant (2).
Genome position (GRCh38, 1-based): chr18:31,093,626, A>G on the plus strand (T>C on the coding strand, the complement: DSC2 is on the minus strand). VCF-style: chr18-31093626-A-G. GRCh37 (hg19) VCF-style: chr18-28673589-A-G.
Other names: c.-343T>C (NM_001406506.1, NM_001406507.1); c.87T>C, p.Ser29= (NM_004949.5).
Identifiers: ClinVar variation 3371969 (VCV003371969.1).